The following is an entry in ClinVar:

ClinVar aggregate classification (germline): Uncertain significance. Review status: criteria provided, multiple submitters, no conflicts (2 of 4 stars). 2 submissions from 2 submitters: Uncertain significance (2). Last evaluated 2025-03-27.

Conditions:
Inborn genetic diseases. Identifiers: MedGen C0950123, MeSH D030342.

Allele frequency attached by ClinVar (database versions not stated): TOPMed 0.00001; gnomAD 0.00003 and 0.00002; ESP Exome Variant Server 0.00008; 1000 Genomes Project 30x 0.00016; 1000 Genomes Project 0.00020.
gnomAD v4.1: 30 of 1,613,214 alleles (0.0019%); highest among the groups gnomAD compares: South Asian, 0.0077%; no homozygotes.

Submissions (2):

Ambry Genetics
Classification: Uncertain significance for Inborn genetic diseases. Last evaluated: 2025-03-27. Review status: criteria provided, single submitter. Criteria: Ambry Variant Classification Scheme 2023. Collection method: clinical testing. Allele origin: germline.

Labcorp Genetics (formerly Invitae), Labcorp
Classification: Uncertain significance. Last evaluated: 2022-08-03. Review status: criteria provided, single submitter. Criteria: Invitae Variant Classification Sherloc (09022015). Collection method: clinical testing. Allele origin: germline.
Comment: This sequence change replaces alanine, which is neutral and non-polar, with valine, which is neutral and non-polar, at codon 733 of the LTBP2 protein (p.Ala733Val). This variant is present in population databases (rs371440115, gnomAD 0.02%). This variant has not been reported in the literature in individuals affected with LTBP2-related conditions. ClinVar contains an entry for this variant (Variation ID: 1390337). Algorithms developed to predict the effect of missense changes on protein structure and function are either unavailable or do not agree on the potential impact of this missense change (SIFT: "Deleterious"; PolyPhen-2: "Benign"; Align-GVGD: "Class C0"). Algorithms developed to predict the effect of sequence changes on RNA splicing suggest that this variant may create or strengthen a splice site. In summary, the available evidence is currently insufficient to determine the role of this variant in disease. Therefore, it has been classified as a Variant of Uncertain Significance.

NM_000428.3(LTBP2):c.2198C>T (p.Ala733Val)

Gene: LTBP2 (latent transforming growth factor beta binding protein 2; minus strand). Cytogenetic location: 14q24.3.
Variant type: single nucleotide variant.
Coding change: c.2198C>T on transcript NM_000428.3 (MANE Select); coding-DNA position 2198, C replaced by T.
Protein change: p.Ala733Val; replaces alanine 733 with valine.
Molecular consequence: missense variant.
Genome position (GRCh38, 1-based): chr14:74,528,653, G>A on the plus strand (C>T on the coding strand, the complement: LTBP2 is on the minus strand). VCF-style: chr14-74528653-G-A. GRCh37 (hg19) VCF-style: chr14-74995356-G-A.
Other names: c.2198C>T (NM_000428.2); short protein forms A733V.
Identifiers: ClinVar variation 1390337 (VCV001390337.4), dbSNP rs371440115, ClinGen allele CA7269610.
Genomic context (GRCh38, chr14:74,528,653, plus strand): 5'-GGGGGCCTTGCCAGTTCCTCCTCCTCGGCTTTCCTCATGGACAGGCGGATGTCGGAGCTC[G>A]CGTAGGTGTAGCCGTGGCCGGCAGGGCAGATCTCTCTGAAGGCCTCTGCAAAGCCAACAG-3'
Protein context (NP_000419.1, residues 723-743): ICPAGHGYTY[Ala733Val]SSDIRLSMRK